The following is an entry in ClinVar:

NM_001367561.1(DOCK7):c.2267T>C (p.Ile756Thr)

Gene: DOCK7 (dedicator of cytokinesis 7; minus strand). Cytogenetic location: 1p31.3.
Variant type: single nucleotide variant.
Coding change: c.2267T>C on transcript NM_001367561.1 (MANE Select); coding-DNA position 2267, T replaced by C.
Protein change: p.Ile756Thr; replaces isoleucine 756 with threonine.
Molecular consequence: missense variant.
Genome position (GRCh38, 1-based): chr1:62,559,153, A>G on the plus strand (T>C on the coding strand, the complement: DOCK7 is on the minus strand). VCF-style: chr1-62559153-A-G. GRCh37 (hg19) VCF-style: chr1-63024824-A-G.
Other names: c.2267T>C, p.Ile756Thr (NM_001271999.2, NM_001272000.2, NM_001272001.2 and 2 more transcripts); short protein forms I756T.
Identifiers: ClinVar variation 863747 (VCV000863747.7), dbSNP rs763688322, ClinGen allele CA886309.

ClinVar aggregate classification (germline): Uncertain significance (1 of 4 stars; one submission).

Conditions:
Developmental and epileptic encephalopathy, 23 (DEE23). Also called: Epileptic encephalopathy, early infantile, 23. Identifiers: Orphanet 411986, MedGen C4014492, MONDO:0014371, OMIM 615859.

Allele frequency attached by ClinVar (database versions not stated): gnomAD exomes 0.00001 and 0.00002; ExAC 0.00002; gnomAD 0.00002 and 0.00003; TOPMed 0.00003.
gnomAD v4.1: 23 of 1,613,708 alleles (0.0014%); highest among the groups gnomAD compares: Middle Eastern, 0.016%; no homozygotes.

Submission:

Labcorp Genetics (formerly Invitae), Labcorp
Classification: Uncertain significance for Developmental and epileptic encephalopathy, 23. Last evaluated: 2021-09-02. Review status: criteria provided, single submitter. Criteria: Invitae Variant Classification Sherloc (09022015). Collection method: clinical testing. Allele origin: germline.
Comment: This sequence change replaces isoleucine with threonine at codon 756 of the DOCK7 protein (p.Ile756Thr). The isoleucine residue is highly conserved and there is a moderate physicochemical difference between isoleucine and threonine. This variant is present in population databases (rs763688322, ExAC 0.006%). This variant has not been reported in the literature in individuals affected with DOCK7-related conditions. Algorithms developed to predict the effect of missense changes on protein structure and function are either unavailable or do not agree on the potential impact of this missense change (SIFT: "Deleterious"; PolyPhen-2: "Benign"; Align-GVGD: "Class C0"). In summary, the available evidence is currently insufficient to determine the role of this variant in disease. Therefore, it has been classified as a Variant of Uncertain Significance.